The following is an entry in ClinVar:

NM_024642.5(GALNT12):c.983A>G (p.Tyr328Cys)

Gene: GALNT12 (polypeptide N-acetylgalactosaminyltransferase 12; plus strand). Cytogenetic location: 9q22.33.
Variant type: single nucleotide variant.
Coding change: c.983A>G on transcript NM_024642.5 (MANE Select); coding-DNA position 983, A replaced by G.
Protein change: p.Tyr328Cys; replaces tyrosine 328 with cysteine.
Molecular consequence: missense variant.
Genome position (GRCh38, 1-based): chr9:98,835,314, A>G. VCF-style: chr9-98835314-A-G. GRCh37 (hg19) VCF-style: chr9-101597596-A-G.
Other names: short protein forms Y328C.
Identifiers: ClinVar variation 934261 (VCV000934261.17), dbSNP rs1017576138, ClinGen allele CA196826101.

ClinVar aggregate classification (germline): Uncertain significance. Review status: criteria provided, multiple submitters, no conflicts (2 of 4 stars). 5 submissions from 5 submitters: Uncertain significance (5). Last evaluated 2025-07-02.

Conditions:
Colorectal cancer, susceptibility to, 1. Also called: COLORECTAL ADENOMA AND CANCER, SUSCEPTIBILITY TO; COLORECTAL CANCER, SUSCEPTIBILITY TO, ON CHROMOSOME 9. Identifiers: MedGen C1837315, MONDO:0012132, OMIM 608812.

Allele frequency attached by ClinVar (database versions not stated): gnomAD exomes below 0.00001.

Submissions (5):

Dasa
Classification: Uncertain significance. Last evaluated: 2025-07-02. Review status: criteria provided, single submitter. Criteria: DASA Assertion Criteria. Collection method: clinical testing. Allele origin: germline.
Comment: NM_024642.5(GALNT12):c.983A>G (p.Tyr328Cys) is a missense variant that results in the substitution of tyrosine with cysteine. This variant is rare in population databases. Computational prediction algorithms are consistent with a deleterious effect. The currently available literature and clinical evidence are not sufficient to establish a definitive association between this variant and the reported condition. Therefore, this variant is classified as a variant of uncertain significance.

Baylor Genetics
Classification: Uncertain significance for Colorectal cancer, susceptibility to, 1. Last evaluated: 2024-01-27. Review status: criteria provided, single submitter. Criteria: ACMG Guidelines, 2015. Collection method: clinical testing. Allele origin: unknown.

Ambry Genetics
Classification: Uncertain significance. Last evaluated: 2024-01-26. Review status: criteria provided, single submitter. Criteria: Ambry Variant Classification Scheme 2023. Collection method: clinical testing. Allele origin: germline.
Comment: The p.Y328C variant (also known as c.983A>G), located in coding exon 5 of the GALNT12 gene, results from an A to G substitution at nucleotide position 983. The tyrosine at codon 328 is replaced by cysteine, an amino acid with highly dissimilar properties. This amino acid position is conserved. In addition, this alteration is predicted to be deleterious by in silico analysis. Since supporting evidence is limited at this time, the clinical significance of this alteration remains unclear.

Blueprint Genetics
Classification: Uncertain significance. Last evaluated: 2022-11-15. Review status: criteria provided, single submitter. Criteria: ACMG Guidelines, 2015. Collection method: clinical testing. Allele origin: germline.

Labcorp Genetics (formerly Invitae), Labcorp
Classification: Uncertain significance. Last evaluated: 2019-06-12. Review status: criteria provided, single submitter. Criteria: Invitae Variant Classification Sherloc (09022015). Collection method: clinical testing. Allele origin: germline.
Comment: In summary, the available evidence is currently insufficient to determine the role of this variant in disease. Therefore, it has been classified as a Variant of Uncertain Significance. Algorithms developed to predict the effect of missense changes on protein structure and function (SIFT, PolyPhen-2, Align-GVGD) all suggest that this variant is likely to be disruptive, but these predictions have not been confirmed by published functional studies and their clinical significance is uncertain. This variant has not been reported in the literature in individuals with GALNT12-related conditions. This variant is not present in population databases (ExAC no frequency). This sequence change replaces tyrosine with cysteine at codon 328 of the GALNT12 protein (p.Tyr328Cys). The tyrosine residue is highly conserved and there is a large physicochemical difference between tyrosine and cysteine.